The following is an entry in ClinVar:

ClinVar aggregate classification (germline): Uncertain significance (1 of 4 stars; one submission).

Allele frequency attached by ClinVar (database versions not stated): TOPMed below 0.00001.

Submission:

Ambry Genetics
Classification: Uncertain significance. Last evaluated: 2021-12-04. Review status: criteria provided, single submitter. Criteria: Ambry Variant Classification Scheme 2023. Collection method: clinical testing. Allele origin: germline.
Comment: The p.H1187Y variant (also known as c.3559C>T), located in coding exon 16 of the POLQ gene, results from a C to T substitution at nucleotide position 3559. The histidine at codon 1187 is replaced by tyrosine, an amino acid with similar properties. This amino acid position is conserved. In addition, this alteration is predicted to be tolerated by in silico analysis. Since supporting evidence is limited at this time, the clinical significance of this alteration remains unclear.

NM_199420.4(POLQ):c.3559C>T (p.His1187Tyr)

Gene: POLQ (DNA polymerase theta; minus strand). Cytogenetic location: 3q13.33.
Variant type: single nucleotide variant.
Coding change: c.3559C>T on transcript NM_199420.4 (MANE Select); coding-DNA position 3559, C replaced by T.
Protein change: p.His1187Tyr; replaces histidine 1187 with tyrosine.
Molecular consequence: missense variant.
Genome position (GRCh38, 1-based): chr3:121,489,372, G>A on the plus strand (C>T on the coding strand, the complement: POLQ is on the minus strand). VCF-style: chr3-121489372-G-A. GRCh37 (hg19) VCF-style: chr3-121208219-G-A.
Other names: short protein forms H1187Y.
Identifiers: ClinVar variation 1732665 (VCV001732665.2), dbSNP rs1183029976, ClinGen allele CA354099202.
Genomic context (GRCh38, chr3:121,489,372, plus strand): 5'-TAGTGCTTGTCTGTTCATGAGATTGCTTTCGCAGGTACTGGTTAATTGGATGGATGTCAT[G>A]GTGTTTCATATAAACATTCTGGTTTTTTGAACCATTTTGTATCAGCACTTCATTTATTTT-3'
Protein context (NP_955452.3, residues 1177-1197): SKNQNVYMKH[His1187Tyr]DIHPINQYLR